The following is an entry in ClinVar:

NM_000292.3(PHKA2):c.1363T>C (p.Leu455=)

Gene: PHKA2 (phosphorylase kinase regulatory subunit alpha 2; minus strand). Cytogenetic location: Xp22.13.
Variant type: single nucleotide variant.
Coding change: c.1363T>C on transcript NM_000292.3 (MANE Select); coding-DNA position 1363, T replaced by C.
Protein change: p.Leu455=; no amino-acid change (leucine 455 retained).
Molecular consequence: synonymous variant.
Genome position (GRCh38, 1-based): chrX:18,926,549, A>G on the plus strand (T>C on the coding strand, the complement: PHKA2 is on the minus strand). VCF-style: chrX-18926549-A-G. GRCh37 (hg19) VCF-style: chrX-18944667-A-G.
Other names: p.Leu455=.
Identifiers: ClinVar variation 511199 (VCV000511199.5), dbSNP rs199949166, ClinGen allele CA10361905.
Genomic context (GRCh38, chrX:18,926,549, plus strand): 5'-GCTGGACTTGAATTGGATGAATGTCCGCGATACTCTGGACGTTCACCCCGTGTTTCCTCA[A>G]TAAGTCCTTAATGTGATTGTTTTCTGCCAAAACAGTAACTGTGAACAAGAACACAGAATG-3'
Protein context (NP_000283.1, residues 445-465): LAENNHIKDL[Leu455=]RKHGVNVQSI

ClinVar aggregate classification (germline): Likely benign. Review status: criteria provided, multiple submitters, no conflicts (2 of 4 stars). 2 submissions from 2 submitters: Likely benign (2). Last evaluated 2025-03-25.

Allele frequency attached by ClinVar (database versions not stated): gnomAD exomes 0.00023 and 0.00028; gnomAD 0.00018 and 0.00014; TOPMed 0.00009; ExAC 0.00050.
gnomAD v4.1: 277 of 1,205,574 alleles (0.023%); highest among the groups gnomAD compares: Non-Finnish European, 0.022%; 1 homozygote.

Submissions (2):

Mayo Clinic Laboratories, Mayo Clinic
Classification: Likely benign. Last evaluated: 2025-03-25. Review status: criteria provided, single submitter. Criteria: ACMG Guidelines, 2015. Collection method: clinical testing. Allele origin: germline. Observed: 1 variant allele.
Comment: BS2, BP4, BP7

GeneDx
Classification: Likely benign. Last evaluated: 2018-04-20. Review status: criteria provided, single submitter. Criteria: GeneDx Variant Classification Process June 2021. Collection method: clinical testing. Allele origin: germline. Affected: yes.